The following is an entry in ClinVar:

ClinVar aggregate classification (germline): Uncertain significance (1 of 4 stars; one submission).

Allele frequency attached by ClinVar (database versions not stated): ExAC 0.00004; 1000 Genomes Project 30x 0.00016; 1000 Genomes Project 0.00020.
gnomAD v4.1: 10 of 1,613,754 alleles (0.00062%); highest among the groups gnomAD compares: East Asian, 0.0022%; no homozygotes.

Submission:

Labcorp Genetics (formerly Invitae), Labcorp
Classification: Uncertain significance. Last evaluated: 2023-12-18. Review status: criteria provided, single submitter. Criteria: Invitae Variant Classification Sherloc (09022015). Collection method: clinical testing. Allele origin: germline.
Comment: This sequence change replaces histidine, which is basic and polar, with glutamine, which is neutral and polar, at codon 20 of the CACNA1D protein (p.His20Gln). This variant is present in population databases (rs201981216, gnomAD 0.04%). This variant has not been reported in the literature in individuals affected with CACNA1D-related conditions. An algorithm developed to predict the effect of missense changes on protein structure and function (PolyPhen-2) suggests that this variant is likely to be tolerated. In summary, the available evidence is currently insufficient to determine the role of this variant in disease. Therefore, it has been classified as a Variant of Uncertain Significance.

NM_001128840.3(CACNA1D):c.60C>A (p.His20Gln)

Gene: CACNA1D (calcium voltage-gated channel subunit alpha1 D; plus strand). Cytogenetic location: 3p21.1.
Variant type: single nucleotide variant.
Coding change: c.60C>A on transcript NM_001128840.3 (MANE Select); coding-DNA position 60, C replaced by A.
Protein change: p.His20Gln; replaces histidine 20 with glutamine.
Molecular consequence: missense variant.
Genome position (GRCh38, 1-based): chr3:53,495,226, C>A. VCF-style: chr3-53495226-C-A. GRCh37 (hg19) VCF-style: chr3-53529253-C-A.
Other names: c.60C>A, p.His20Gln (NM_000720.4, NM_001128839.3); short protein forms H20Q.
Identifiers: ClinVar variation 2701670 (VCV002701670.3), dbSNP rs201981216, ClinGen allele CA2453595.